The following is an entry in ClinVar:

NM_002830.4(PTPN4):c.427_429del (p.Ser143del)

Gene: PTPN4 (protein tyrosine phosphatase non-receptor type 4; plus strand). Cytogenetic location: 2q14.2.
Variant type: Deletion.
Coding change: c.427_429del on transcript NM_002830.4 (MANE Select); coding-DNA positions 427 to 429, 3 bases deleted (TCT; older notation c.427_429delTCT).
Protein change: p.Ser143del; deletes serine 143.
Genome position (GRCh38, 1-based): chr2:119,882,110-119,882,112, TCT deleted; deleting any 3 consecutive bases within chr2:119,882,108-119,882,112 gives the same sequence; the c. name uses the placement nearest the transcript's 3' end. VCF-style (leftmost placement, unchanged base first): chr2-119882107-CCTT-C. GRCh37 (hg19) VCF-style: chr2-120639683-CCTT-C.
Other names: short protein forms S143del.
Identifiers: ClinVar variation 4851346 (VCV004851346.1).
Genomic context (GRCh38, chr2:119,882,107, plus strand): 5'-AAATTGCTATGTTTAACCTTCGGTTGTGTATTTTTGTTTTGTTTTATTAGATTACCCTGT[CCTT>C]CTAATACTGCTGCCCTTTTAGCTTCATTTGCTGTTCAGTGTAAGTATCAGCCCATTTTTA-3'

ClinVar aggregate classification (germline): Likely benign (1 of 4 stars; one submission).

Conditions:
Complex neurodevelopmental disorder. Identifiers: Orphanet 528084, MedGen C5568766, MONDO:0100038.

Submission:

Centre for Medical Genetics,  Mumbai
Classification: Likely benign for Complex neurodevelopmental disorder. Last evaluated: 2026-04-09. Review status: criteria provided, single submitter. Criteria: ACMG Guidelines, 2015. Collection method: provider interpretation. Allele origin: germline. Inheritance: Autosomal dominant inheritance. Affected: no. Observed: 1 variant allele, 1 heterozygote.
Comment: The variant satisfies PM2 criteria - extremely low frequency in gnomAD population databases. The variant satisfies PM4 criteria - protein length changes resulting from in-frame deletions/insertions in a non-repeat region or a stop-loss variant. However, the variant satisfies BS2 criteria - present in heterozygous state in an individual that clinically does not have complex neurodevelopmental disorder

Literature cited by the submitters: PMC PMC8439436.